The following is an entry in ClinVar:

ClinVar aggregate classification (germline): Likely pathogenic (1 of 4 stars; one submission).

Conditions:
Adams-Oliver syndrome 2 (AOS2). Identifiers: Orphanet 974, MedGen C3280182, MONDO:0013635, OMIM 614219.

gnomAD v4.1: 2 of 1,613,556 alleles (0.00012%); highest among the groups gnomAD compares: East Asian, 0.0022%; no homozygotes.

Submission:

Juno Genomics, Hangzhou Juno Genomics, Inc
Classification: Likely pathogenic for Adams-Oliver syndrome 2. Review status: criteria provided, single submitter. Criteria: ACMG Guidelines, 2015. Collection method: clinical testing. Allele origin: germline.
Comment: Null variant in a gene where loss of function (LOF) is a known mechanism of disease.;Absent from controls (or at extremely low frequency if recessive) in Genome Aggregation Database.

NM_020812.4(DOCK6):c.3895-1G>A

Genes: DOCK6 (dedicator of cytokinesis 6; minus strand), DOCK6-AS1 (DOCK6 antisense RNA 1; plus strand). Cytogenetic location: 19p13.2.
Variant type: single nucleotide variant.
Coding change: c.3895-1G>A on transcript NM_020812.4 (MANE Select); the canonical splice acceptor site of the intron before coding-DNA position 3895, G replaced by A.
Molecular consequence: splice acceptor variant.
Genome position (GRCh38, 1-based): chr19:11,215,928, C>T on the plus strand (G>A on the coding strand, the complement: DOCK6 is on the minus strand). VCF-style: chr19-11215928-C-T. GRCh37 (hg19) VCF-style: chr19-11326604-C-T.
Other names: c.4000-1G>A (NM_001367830.1).
Identifiers: ClinVar variation 5005917 (VCV005005917.2).